The following is an entry in ClinVar:

ClinVar aggregate classification (germline): Pathogenic/Likely pathogenic. Review status: criteria provided, multiple submitters, no conflicts (2 of 4 stars). 5 submissions from 5 submitters: Pathogenic (4); Likely pathogenic (1). Last evaluated 2025-10-28.

Conditions:
Neurodevelopmental disorder. Identifiers: MedGen C1535926, MeSH D065886, MONDO:0700092.
Kleefstra syndrome 2 (KLEFS2). Identifiers: MedGen C4540395, MONDO:0054701, OMIM 617768.

Allele frequency attached by ClinVar (database versions not stated): gnomAD exomes below 0.00001.
gnomAD v4.1: 1 of 1,614,112 alleles (0.000062%); highest among the groups gnomAD compares: Non-Finnish European, 0.000085%; no homozygotes.

Submissions (5):

GeneDx
Classification: Pathogenic. Last evaluated: 2025-10-28. Review status: criteria provided, single submitter. Criteria: GeneDx Variant Classification Process June 2021. Collection method: clinical testing. Allele origin: germline. Affected: yes.
Comment: Nonsense variant predicted to result in protein truncation or nonsense mediated decay in a gene for which loss of function is a known mechanism of disease; Not observed at significant frequency in large population cohorts (gnomAD); Has not been previously published as pathogenic or benign to our knowledge

Victorian Clinical Genetics Services, Murdoch Childrens Research Institute
Classification: Pathogenic for Kleefstra syndrome 2. Last evaluated: 2024-10-09. Review status: criteria provided, single submitter. Criteria: ACMG Guidelines, 2015. Collection method: clinical testing. Allele origin: germline. Inheritance: Autosomal dominant inheritance. Affected: yes.
Comment: Based on the classification scheme VCGS_Germline_v1.3.4, this variant is classified as Pathogenic. Following criteria are met: 0102 - Loss of function is a known mechanism of disease in this gene and is associated with Kleefstra syndrome 2 (MIM#617768). (I) 0107 - This gene is associated with autosomal dominant disease. (I) 0201 - Variant is predicted to cause nonsense-mediated decay (NMD) and loss of protein (premature termination codon is located at least 54 nucleotides upstream of the final exon-exon junction). (SP) 0251 - This variant is heterozygous. (I) 0301 - Variant is absent from gnomAD (both v2 and v3). (SP) 0701 - Other NMD-predicted variants comparable to the one identified in this case have very strong previous evidence for pathogenicity. Many NMD-predicted variants have been reported as pathogenic (ClinVar). (SP) 0803 - This variant has limited previous evidence of pathogenicity in unrelated individuals. This variant has been reported twice in ClinVar as pathogenic. (SP) 0905 - No published segregation evidence has been identified for this variant. (I) 1007 - No published functional evidence has been identified for this variant. (I) Legend: (SP) - Supporting pathogenic, (I) - Information, (SB) - Supporting benign

Laboratory of Molecular Genetics (Pr. Bezieau's lab), CHU de Nantes
Classification: Pathogenic for Neurodevelopmental disorder. Last evaluated: 2021-03-09. Review status: criteria provided, single submitter. Criteria: ACMG Guidelines, 2015. Collection method: clinical testing. Allele origin: germline. Affected: yes.

Clinical Genetics Service, Universitary Hospital 12 de Octubre
Classification: Pathogenic for Kleefstra syndrome 2. Review status: criteria provided, single submitter. Criteria: ACMG Guidelines, 2015. Collection method: clinical testing. Allele origin: germline. Affected: yes.

Juno Genomics, Hangzhou Juno Genomics, Inc
Classification: Likely pathogenic for Kleefstra syndrome 2. Review status: criteria provided, single submitter. Criteria: ACMG Guidelines, 2015. Collection method: clinical testing. Allele origin: germline. Affected: yes.
Comment: Absent from controls (or at extremely low frequency if recessive) in Genome Aggregation Database, Exome Sequencing Project, 1000 Genomes Project, or Exome Aggregation Consortium.;Null variant in a gene where loss of function (LOF) is a known mechanism of disease.

NM_170606.3(KMT2C):c.7825C>T (p.Arg2609Ter)

Gene: KMT2C (lysine methyltransferase 2C; minus strand). Cytogenetic location: 7q36.1.
Variant type: single nucleotide variant.
Coding change: c.7825C>T on transcript NM_170606.3 (MANE Select); coding-DNA position 7825, C replaced by T.
Protein change: p.Arg2609Ter; replaces arginine 2609 with a stop codon.
Molecular consequence: nonsense.
Genome position (GRCh38, 1-based): chr7:152,177,628, G>A on the plus strand (C>T on the coding strand, the complement: KMT2C is on the minus strand). VCF-style: chr7-152177628-G-A. GRCh37 (hg19) VCF-style: chr7-151874713-G-A.
Other names: c.7825C>T (NM_170606.2); short protein forms R2609*.
Identifiers: ClinVar variation 1064778 (VCV001064778.7), dbSNP rs2129115127, ClinGen allele CA370084841.